The following is an entry in ClinVar:

ClinVar aggregate classification (germline): Uncertain significance (1 of 4 stars; one submission).

Submission:

Labcorp Genetics (formerly Invitae), Labcorp
Classification: Uncertain significance. Last evaluated: 2022-09-13. Review status: criteria provided, single submitter. Criteria: Invitae Variant Classification Sherloc (09022015). Collection method: clinical testing. Allele origin: germline.
Comment: In summary, the available evidence is currently insufficient to determine the role of this variant in disease. Therefore, it has been classified as a Variant of Uncertain Significance. Experimental studies and prediction algorithms are not available or were not evaluated, and the functional significance of this variant is currently unknown. This variant has not been reported in the literature in individuals affected with COL18A1-related conditions. This variant is present in population databases (no rsID available, gnomAD 0.0009%). This sequence change replaces proline, which is neutral and non-polar, with leucine, which is neutral and non-polar, at codon 814 of the COL18A1 protein (p.Pro814Leu).

NM_001379500.1(COL18A1):c.2441C>T (p.Pro814Leu)

Gene: COL18A1 (collagen type XVIII alpha 1 chain; plus strand). Cytogenetic location: 21q22.3.
Variant type: single nucleotide variant.
Coding change: c.2441C>T on transcript NM_001379500.1 (MANE Select); coding-DNA position 2441, C replaced by T.
Protein change: p.Pro814Leu; replaces proline 814 with leucine.
Molecular consequence: missense variant.
Genome position (GRCh38, 1-based): chr21:45,495,365, C>T. VCF-style: chr21-45495365-C-T. GRCh37 (hg19) VCF-style: chr21-46915279-C-T.
Other names: c.2981C>T, p.Pro994Leu (NM_030582.4); c.3686C>T, p.Pro1229Leu (NM_130444.3); short protein forms P814L, P994L, P1229L.
Identifiers: ClinVar variation 1921722 (VCV001921722.5), dbSNP rs1437005336, ClinGen allele CA410497740.
Genomic context (GRCh38, chr21:45,495,365, plus strand): 5'-TGTCTGGTAATCATCAGTGCCCAGCAGTCCCCACCCCCTGTGCTCCGCCCCAGGGTCGCC[C>T]CGGGATGAACGGATTGAAAGGAGAGAAAGGGGAGCCGGGAGATGCCAGCCTTGGATTTGG-3'
Protein context (NP_001366429.1, residues 804-824): EIGFPGRPGR[Pro814Leu]GMNGLKGEKG